The following is an entry in ClinVar:

NM_019098.5(CNGB3):c.1928+3A>G

Gene: CNGB3 (cyclic nucleotide gated channel subunit beta 3; minus strand). Cytogenetic location: 8q21.3.
Variant type: single nucleotide variant.
Coding change: c.1928+3A>G on transcript NM_019098.5 (MANE Select); 3 bases into the intron after coding-DNA position 1928, A replaced by G.
Molecular consequence: intron variant.
Genome position (GRCh38, 1-based): chr8:86,579,103, T>C on the plus strand (A>G on the coding strand, the complement: CNGB3 is on the minus strand). VCF-style: chr8-86579103-T-C. GRCh37 (hg19) VCF-style: chr8-87591331-T-C.
Identifiers: ClinVar variation 2418910 (VCV002418910.3), dbSNP rs751096857, ClinGen allele CA4799864.

ClinVar aggregate classification (germline): Uncertain significance (1 of 4 stars; one submission).

Allele frequency attached by ClinVar (database versions not stated): gnomAD exomes below 0.00001; ExAC 0.00001; TOPMed 0.00001.
gnomAD v4.1: 6 of 1,614,196 alleles (0.00037%); highest among the groups gnomAD compares: Non-Finnish European, 0.00051%; no homozygotes.

Submission:

Labcorp Genetics (formerly Invitae), Labcorp
Classification: Uncertain significance. Last evaluated: 2022-10-13. Review status: criteria provided, single submitter. Criteria: Invitae Variant Classification Sherloc (09022015). Collection method: clinical testing. Allele origin: germline.
Comment: This sequence change falls in intron 16 of the CNGB3 gene. It does not directly change the encoded amino acid sequence of the CNGB3 protein. It affects a nucleotide within the consensus splice site. This variant is present in population databases (rs751096857, gnomAD 0.0009%). This variant has not been reported in the literature in individuals affected with CNGB3-related conditions. Variants that disrupt the consensus splice site are a relatively common cause of aberrant splicing (PMID: 17576681, 9536098). Algorithms developed to predict the effect of sequence changes on RNA splicing suggest that this variant is not likely to affect RNA splicing. In summary, the available evidence is currently insufficient to determine the role of this variant in disease. Therefore, it has been classified as a Variant of Uncertain Significance.

Literature cited by the submitters: PubMed 17576681; PubMed 9536098.